The following is an entry in ClinVar:

NM_004656.4(BAP1):c.369C>A (p.Ser123Arg)

Gene: BAP1 (BRCA1 associated deubiquitinase 1; minus strand). Cytogenetic location: 3p21.1.
Variant type: single nucleotide variant.
Coding change: c.369C>A on transcript NM_004656.4 (MANE Select); coding-DNA position 369, C replaced by A.
Protein change: p.Ser123Arg; replaces serine 123 with arginine.
Molecular consequence: missense variant.
Genome position (GRCh38, 1-based): chr3:52,407,964, G>T on the plus strand (C>A on the coding strand, the complement: BAP1 is on the minus strand). VCF-style: chr3-52407964-G-T. GRCh37 (hg19) VCF-style: chr3-52441980-G-T.
Other names: c.369C>A, p.Ser123Arg (NM_001410772.1); short protein forms S123R.
Identifiers: ClinVar variation 3818918 (VCV003818918.1).

ClinVar aggregate classification (germline): Uncertain significance (1 of 4 stars; one submission).

Conditions:
Hereditary cancer-predisposing syndrome. Also called: Hereditary neoplastic syndrome; Neoplastic Syndromes, Hereditary; Tumor predisposition; Hereditary Cancer Syndrome. Identifiers: Orphanet 140162, MedGen C0027672, MeSH D009386, MONDO:0015356.

Submission:

Ambry Genetics
Classification: Uncertain significance for Hereditary cancer-predisposing syndrome. Last evaluated: 2025-01-03. Review status: criteria provided, single submitter. Criteria: Ambry Variant Classification Scheme 2023. Collection method: clinical testing. Allele origin: germline.
Comment: The p.S123R variant (also known as c.369C>A), located in coding exon 5 of the BAP1 gene, results from a C to A substitution at nucleotide position 369. The serine at codon 123 is replaced by arginine, an amino acid with dissimilar properties. This amino acid position is conserved. In addition, the in silico prediction for this alteration is inconclusive. Based on the available evidence, the clinical significance of this variant remains unclear.